The following is an entry in ClinVar:

ClinVar aggregate classification (germline): Uncertain significance (1 of 4 stars; one submission).

gnomAD v4.1: 20 of 1,611,026 alleles (0.0012%); highest among the groups gnomAD compares: South Asian, 0.0088%; 1 homozygote.

Submission:

GeneDx
Classification: Uncertain significance. Last evaluated: 2024-09-11. Review status: criteria provided, single submitter. Criteria: GeneDx Variant Classification Process June 2021. Collection method: clinical testing. Allele origin: germline. Affected: yes.
Comment: In silico analysis supports that this missense variant has a deleterious effect on protein structure/function; Has not been previously published as pathogenic or benign to our knowledge

NM_058004.4(PI4KA):c.3223G>A (p.Val1075Ile)

Gene: PI4KA (phosphatidylinositol 4-kinase alpha; minus strand). Cytogenetic location: 22q11.21.
Variant type: single nucleotide variant.
Coding change: c.3223G>A on transcript NM_058004.4 (MANE Select); coding-DNA position 3223, G replaced by A.
Protein change: p.Val1075Ile; replaces valine 1075 with isoleucine.
Molecular consequence: missense variant.
Genome position (GRCh38, 1-based): chr22:20,749,925, C>T on the plus strand (G>A on the coding strand, the complement: PI4KA is on the minus strand). VCF-style: chr22-20749925-C-T. GRCh37 (hg19) VCF-style: chr22-21104213-C-T.
Other names: c.3223G>A, p.Val1075Ile (NM_001362862.2); c.3157G>A, p.Val1053Ile (NM_001362863.2); short protein forms V1053I, V1075I.
Identifiers: ClinVar variation 3770101 (VCV003770101.1).